The following is an entry in ClinVar:

ClinVar aggregate classification (germline): Uncertain significance (1 of 4 stars; one submission).

Conditions:
Inborn genetic diseases. Identifiers: MedGen C0950123, MeSH D030342.

gnomAD v4.1: 1 of 1,614,042 alleles (0.000062%); highest among the groups gnomAD compares: Non-Finnish European, 0.000085%; no homozygotes.

Submission:

Ambry Genetics
Classification: Uncertain significance for Inborn genetic diseases. Last evaluated: 2025-02-21. Review status: criteria provided, single submitter. Criteria: Ambry Variant Classification Scheme 2023. Collection method: clinical testing. Allele origin: germline.
Comment: The p.P107S variant (also known as c.319C>T), located in coding exon 3 of the RTEL1 gene, results from a C to T substitution at nucleotide position 319. The proline at codon 107 is replaced by serine, an amino acid with similar properties. This amino acid position is conserved. In addition, the in silico prediction for this alteration is inconclusive. Based on the available evidence, the clinical significance of this variant remains unclear.

NM_001283009.2(RTEL1):c.319C>T (p.Pro107Ser)

Genes: RTEL1 (regulator of telomere elongation helicase 1; plus strand), RTEL1-TNFRSF6B (RTEL1-TNFRSF6B readthrough (NMD candidate); plus strand). Cytogenetic location: 20q13.33.
Variant type: single nucleotide variant.
Coding change: c.319C>T on transcript NM_001283009.2 (MANE Select); coding-DNA position 319, C replaced by T.
Protein change: p.Pro107Ser; replaces proline 107 with serine.
Molecular consequence: missense variant. On other transcripts: non-coding transcript variant (1), 5 prime UTR variant (1).
Genome position (GRCh38, 1-based): chr20:63,661,867, C>T. VCF-style: chr20-63661867-C-T. GRCh37 (hg19) VCF-style: chr20-62293220-C-T.
Other names: c.-351C>T (NM_001283010.1); c.319C>T, p.Pro107Ser (NM_016434.4, NM_032957.5); short protein forms P107S.
Identifiers: ClinVar variation 3791169 (VCV003791169.1).
Genomic context (GRCh38, chr20:63,661,867, plus strand): 5'-TGTCTGAGAACCGTGACTTCTGTGCTTGCTTGTGTCTGGTCAGCTTGCTACACGGACATC[C>T]CAAAGATTATTTACGCCTCCAGGACCCACTCGCAACTCACACAGGTCATCAACGAGCTTC-3'
Protein context (NP_001269938.1, residues 97-117): GDPIACYTDI[Pro107Ser]KIIYASRTHS